The following is an entry in ClinVar:

NM_004621.6(TRPC6):c.2142G>A (p.Thr714=)

Gene: TRPC6 (transient receptor potential cation channel subfamily C member 6; minus strand). Cytogenetic location: 11q22.1.
Variant type: single nucleotide variant.
Coding change: c.2142G>A on transcript NM_004621.6 (MANE Select); coding-DNA position 2142, G replaced by A.
Protein change: p.Thr714=; no amino-acid change (threonine 714 retained).
Molecular consequence: synonymous variant.
Genome position (GRCh38, 1-based): chr11:101,472,200, C>T on the plus strand (G>A on the coding strand, the complement: TRPC6 is on the minus strand). VCF-style: chr11-101472200-C-T. GRCh37 (hg19) VCF-style: chr11-101342931-C-T.
Identifiers: ClinVar variation 259459 (VCV000259459.24), dbSNP rs145077205, ClinGen allele CA6244199.

ClinVar aggregate classification (germline): Benign/Likely benign. Review status: criteria provided, multiple submitters, no conflicts (2 of 4 stars). 7 submissions from 7 submitters: Benign (1); Likely benign (5). 1 of the submissions does not count toward it. Last evaluated 2025-12-16.

Conditions:
Focal segmental glomerulosclerosis 2 (FSGS2). Identifiers: Orphanet 656, MedGen C1858915, MONDO:0011390, OMIM 603965.
TRPC6-related disorder. Also called: TRPC6-related condition.

Allele frequency attached by ClinVar (database versions not stated): 1000 Genomes Project 30x 0.00125; 1000 Genomes Project 0.00160; TOPMed 0.00237.
gnomAD v4.1: 605 of 1,612,778 alleles (0.038%); highest among the groups gnomAD compares: African/African-American, 0.72%; no homozygotes.

Submissions (7):

Labcorp Genetics (formerly Invitae), Labcorp
Classification: Benign. Last evaluated: 2025-12-16. Review status: criteria provided, single submitter. Criteria: Invitae Variant Classification Sherloc (09022015). Collection method: clinical testing. Allele origin: germline.

Blueprint Genetics
Classification: Likely benign. Last evaluated: 2024-11-05. Review status: criteria provided, single submitter. Criteria: ACMG Guidelines, 2015. Collection method: clinical testing. Allele origin: germline.

Fulgent Genetics
Classification: Likely benign for Focal segmental glomerulosclerosis 2. Last evaluated: 2021-10-04. Review status: criteria provided, single submitter. Criteria: ACMG Guidelines, 2015. Collection method: clinical testing. Allele origin: unknown.

GeneDx
Classification: Likely benign. Last evaluated: 2020-04-10. Review status: criteria provided, single submitter. Criteria: GeneDx Variant Classification Process June 2021. Collection method: clinical testing. Allele origin: germline. Affected: yes.

Eurofins Ntd Llc (ga)
Classification: Likely benign. Last evaluated: 2017-06-05. Review status: criteria provided, single submitter. Criteria: EGL Classification Definitions 2015. Collection method: clinical testing. Allele origin: germline. Observed: 1 variant allele, 1 heterozygote.

Illumina Laboratory Services, Illumina
Classification: Likely benign for Focal segmental glomerulosclerosis 2. Last evaluated: 2017-04-28. Review status: criteria provided, single submitter. Criteria: ICSL Variant Classification Criteria 13 December 2019. Collection method: clinical testing. Allele origin: germline.
Comment: This variant was observed as part of a predisposition screen in an ostensibly healthy population. A literature search was performed for the gene, cDNA change, and amino acid change (where applicable). Publications were found based on this search. The evidence from the literature, in combination with allele frequency data from public databases where available, was sufficient to determine this variant is unlikely to cause disease. Therefore, this variant is classified as likely benign.

PreventionGenetics, part of Exact Sciences
Classification: Benign for TRPC6-related condition. Last evaluated: 2022-12-20. Review status: no assertion criteria provided. Collection method: clinical testing. Allele origin: germline. Not counted in ClinVar's aggregate classification.
Comment: This variant is classified as benign based on ACMG/AMP sequence variant interpretation guidelines (Richards et al. 2015 PMID: 25741868, with internal and published modifications).

Literature cited by the submitters: PubMed 25019165 (cited by Illumina Laboratory Services, Illumina).